The following is an entry in ClinVar:

ClinVar aggregate classification (germline): Benign (1 of 4 stars; one submission).

Conditions:
Breast-ovarian cancer, familial, susceptibility to, 4. Identifiers: Orphanet 145, MedGen C3280345, MONDO:0013669, OMIM 614291.

Submission:

Myriad Genetics, Inc.
Classification: Benign for Breast-ovarian cancer, familial, susceptibility to, 4. Last evaluated: 2025-02-24. Review status: criteria provided, single submitter. Criteria: Myriad Autosomal Dominant, Autosomal Recessive and X-Linked Classification Criteria (2023). Collection method: clinical testing. Allele origin: unknown.
Comment: This variant is considered benign. This variant is a silent/synonymous amino acid change and it is not expected to impact splicing.

NM_002878.4(RAD51D):c.556C>A (p.Arg186=)

Genes: RAD51D (RAD51 paralog D; minus strand), RAD51L3-RFFL (RAD51L3-RFFL readthrough; minus strand). Cytogenetic location: 17q12.
Variant type: single nucleotide variant.
Coding change: c.556C>A on transcript NM_002878.4 (MANE Select); coding-DNA position 556, C replaced by A.
Protein change: p.Arg186=; no amino-acid change (arginine 186 retained).
Molecular consequence: synonymous variant. On other transcripts: non-coding transcript variant (3).
Genome position (GRCh38, 1-based): chr17:35,106,406, G>T on the plus strand (C>A on the coding strand, the complement: RAD51D is on the minus strand). VCF-style: chr17-35106406-G-T. GRCh37 (hg19) VCF-style: chr17-33433425-G-T.
Other names: c.616C>A, p.Arg206= (NM_001142571.2); c.220C>A, p.Arg74= (NM_133629.3).
Identifiers: ClinVar variation 3903947 (VCV003903947.1).